The following is an entry in ClinVar:

NM_001377295.2(GNAT2):c.874G>A (p.Gly292Ser)

Gene: GNAT2 (G protein subunit alpha transducin 2; minus strand). Cytogenetic location: 1p13.3.
Variant type: single nucleotide variant.
Coding change: c.874G>A on transcript NM_001377295.2 (MANE Select); coding-DNA position 874, G replaced by A.
Protein change: p.Gly292Ser; replaces glycine 292 with serine.
Molecular consequence: missense variant.
Genome position (GRCh38, 1-based): chr1:109,603,951, C>T on the plus strand (G>A on the coding strand, the complement: GNAT2 is on the minus strand). VCF-style: chr1-109603951-C-T. GRCh37 (hg19) VCF-style: chr1-110146573-C-T.
Other names: c.874G>A, p.Gly292Ser (NM_001379232.1, NM_005272.5); short protein forms G292S.
Identifiers: ClinVar variation 1015276 (VCV001015276.3), dbSNP rs925715201, ClinGen allele CA28675445.

ClinVar aggregate classification (germline): Uncertain significance (1 of 4 stars; one submission).

Allele frequency attached by ClinVar (database versions not stated): gnomAD exomes below 0.00001; gnomAD 0.00002; TOPMed 0.00002.

Submission:

Labcorp Genetics (formerly Invitae), Labcorp
Classification: Uncertain significance. Last evaluated: 2022-07-12. Review status: criteria provided, single submitter. Criteria: Invitae Variant Classification Sherloc (09022015). Collection method: clinical testing. Allele origin: germline.
Comment: This variant is present in population databases (no rsID available, gnomAD 0.002%). In summary, the available evidence is currently insufficient to determine the role of this variant in disease. Therefore, it has been classified as a Variant of Uncertain Significance. Variants that disrupt the consensus splice site are a relatively common cause of aberrant splicing (PMID: 17576681, 9536098). Algorithms developed to predict the effect of sequence changes on RNA splicing suggest that this variant may disrupt the consensus splice site. Algorithms developed to predict the effect of missense changes on protein structure and function (SIFT, PolyPhen-2, Align-GVGD) all suggest that this variant is likely to be disruptive. ClinVar contains an entry for this variant (Variation ID: 1015276). This variant has not been reported in the literature in individuals affected with GNAT2-related conditions. This sequence change replaces glycine, which is neutral and non-polar, with serine, which is neutral and polar, at codon 292 of the GNAT2 protein (p.Gly292Ser). This variant also falls at the last nucleotide of exon 7, which is part of the consensus splice site for this exon.

Literature cited by the submitters: PubMed 17576681; PubMed 9536098.